The following is an entry in ClinVar:

NM_004006.3(DMD):c.9361+1del

Gene: DMD (dystrophin; minus strand). Cytogenetic location: Xp21.2.
Variant type: Deletion.
Coding change: c.9361+1del on transcript NM_004006.3 (MANE Select); the canonical splice donor site of the intron after coding-DNA position 9361, one base deleted (G; older notation c.9361+1delG).
Molecular consequence: splice donor variant.
Genome position (GRCh38, 1-based): chrX:31,223,046, C deleted on the plus strand (G on the coding strand, the reverse complement: DMD is on the minus strand). VCF-style (leftmost placement, unchanged base first): chrX-31223045-AC-A. GRCh37 (hg19) VCF-style: chrX-31241162-AC-A.
Other names: c.9337+1del (NM_000109.4); c.5338+1del (NM_004011.4); c.5329+1del (NM_004012.4); c.1981+1del (NM_004023.3, NM_004020.4, NM_004022.3 and 2 more transcripts); c.1174+1del (NM_004014.3); c.157+1del (NM_004018.3, NM_004017.3, NM_004016.3 and 2 more transcripts); c.9349+1del (NM_004009.3); c.8992+1del (NM_004010.3).
Identifiers: ClinVar variation 2737138 (VCV002737138.3), dbSNP rs2522089740, ClinGen allele CA2695232295.

ClinVar aggregate classification (germline): Likely pathogenic (1 of 4 stars; one submission).

Conditions:
Duchenne muscular dystrophy (DMD). Also called: MUSCULAR DYSTROPHY, PSEUDOHYPERTROPHIC PROGRESSIVE, DUCHENNE TYPE; Duchenne Muscular Dystrophy (DMD). Identifiers: Orphanet 98896, MedGen C0013264, MONDO:0010679, OMIM 310200.

Submission:

Labcorp Genetics (formerly Invitae), Labcorp
Classification: Likely pathogenic for Duchenne muscular dystrophy. Last evaluated: 2023-03-18. Review status: criteria provided, single submitter. Criteria: Invitae Variant Classification Sherloc (09022015). Collection method: clinical testing. Allele origin: germline.
Comment: This sequence change affects a splice site in intron 64 of the DMD gene. It is expected to disrupt RNA splicing. Variants that disrupt the donor or acceptor splice site typically lead to a loss of protein function (PMID: 16199547), and loss-of-function variants in DMD are known to be pathogenic (PMID: 16770791, 25007885). This variant is not present in population databases (gnomAD no frequency). Disruption of this splice site has been observed in individual(s) with dystrophinopathy (PMID: 19937601). Algorithms developed to predict the effect of sequence changes on RNA splicing suggest that this variant may disrupt the consensus splice site. In summary, the currently available evidence indicates that the variant is pathogenic, but additional data are needed to prove that conclusively. Therefore, this variant has been classified as Likely Pathogenic.

Literature cited by the submitters: PubMed 16199547; PubMed 16770791; PubMed 25007885; PubMed 19937601.